The following is an entry in ClinVar:

NM_133259.4(LRPPRC):c.723G>A (p.Gly241=)

Gene: LRPPRC (leucine rich pentatricopeptide repeat containing; minus strand). Cytogenetic location: 2p21.
Variant type: single nucleotide variant.
Coding change: c.723G>A on transcript NM_133259.4 (MANE Select); coding-DNA position 723, G replaced by A.
Protein change: p.Gly241=; no amino-acid change (glycine 241 retained).
Molecular consequence: synonymous variant.
Genome position (GRCh38, 1-based): chr2:43,976,157, C>T on the plus strand (G>A on the coding strand, the complement: LRPPRC is on the minus strand). VCF-style: chr2-43976157-C-T. GRCh37 (hg19) VCF-style: chr2-44203296-C-T.
Identifiers: ClinVar variation 516157 (VCV000516157.12), dbSNP rs371182328, ClinGen allele CA1639244.
Genomic context (GRCh38, chr2:43,976,157, plus strand): 5'-TCAGCCATCTATCACTTAAGAACCAAAACCTTAGGTTGAACATTACCCAGCTCTGGCATG[C>T]CCTGTCACAAGGGCACTGAATACTGCCTCTGTAACTGGGAGATCCTTAGTTTTCATAAAT-3'
Protein context (NP_573566.2, residues 231-251): TEAVFSALVT[Gly241=]HARAGDMENA

ClinVar aggregate classification (germline): Likely benign. Review status: criteria provided, multiple submitters, no conflicts (2 of 4 stars). 4 submissions from 4 submitters: Likely benign (3). 1 of the submissions does not count toward it. Last evaluated 2025-10-07.

Conditions:
LRPPRC-related disorder. Also called: LRPPRC-related condition.

Allele frequency attached by ClinVar (database versions not stated): ExAC 0.00004; TOPMed 0.00005; gnomAD 0.00006 and 0.00007; gnomAD exomes 0.00006 and 0.00007; ESP Exome Variant Server 0.00008.
gnomAD v4.1: 109 of 1,606,722 alleles (0.0068%); highest among the groups gnomAD compares: Non-Finnish European, 0.0088%; no homozygotes.

Submissions (4):

Labcorp Genetics (formerly Invitae), Labcorp
Classification: Likely benign. Last evaluated: 2025-10-07. Review status: criteria provided, single submitter. Criteria: Invitae Variant Classification Sherloc (09022015). Collection method: clinical testing. Allele origin: germline.

Blueprint Genetics
Classification: Likely benign. Last evaluated: 2023-11-07. Review status: criteria provided, single submitter. Criteria: ACMG Guidelines, 2015. Collection method: clinical testing. Allele origin: germline.

GeneDx
Classification: Likely benign. Last evaluated: 2017-10-17. Review status: criteria provided, single submitter. Criteria: GeneDx Variant Classification (06012015). Collection method: clinical testing. Allele origin: germline. Affected: yes.
Comment: This variant is considered likely benign or benign based on one or more of the following criteria: it is a conservative change, it occurs at a poorly conserved position in the protein, it is predicted to be benign by multiple in silico algorithms, and/or has population frequency not consistent with disease.

PreventionGenetics, part of Exact Sciences
Classification: Likely benign for LRPPRC-related condition. Last evaluated: 2019-11-07. Review status: no assertion criteria provided. Collection method: clinical testing. Allele origin: germline. Not counted in ClinVar's aggregate classification.
Comment: This variant is classified as likely benign based on ACMG/AMP sequence variant interpretation guidelines (Richards et al. 2015 PMID: 25741868, with internal and published modifications).